The following is an entry in ClinVar:

ClinVar aggregate classification (germline): Likely pathogenic (1 of 4 stars; one submission).

Conditions:
Meier-Gorlin syndrome 1 (MGORS1). Also called: EAR, PATELLA, SHORT STATURE SYNDROME. Identifiers: Orphanet 2554, MedGen C4552001, MONDO:0009143, OMIM 224690.

Submission:

Laboratorio de Genetica e Diagnostico Molecular, Hospital Israelita Albert Einstein
Classification: Likely pathogenic for Meier-Gorlin syndrome 1. Last evaluated: 2024-10-16. Review status: criteria provided, single submitter. Criteria: ACMG Guidelines, 2015. Collection method: clinical testing. Allele origin: germline. Affected: yes.
Comment: ACMG classification criteria: PVS1 very strong, PM2 supporting

NM_004153.4(ORC1):c.2209del (p.Gln737fs)

Gene: ORC1 (origin recognition complex subunit 1; minus strand). Cytogenetic location: 1p32.3.
Variant type: Deletion.
Coding change: c.2209del on transcript NM_004153.4 (MANE Select); coding-DNA position 2209, one base deleted (C; older notation c.2209delC).
Protein change: p.Gln737fs; shifts the reading frame from glutamine 737.
Molecular consequence: frameshift variant.
Genome position (GRCh38, 1-based): chr1:52,375,524, G deleted on the plus strand (C on the coding strand, the reverse complement: ORC1 is on the minus strand); the first of 3 consecutive G bases (chr1:52,375,524-52,375,526); deleting any one gives the same sequence. VCF-style (leftmost placement, unchanged base first): chr1-52375523-TG-T. GRCh37 (hg19) VCF-style: chr1-52841195-TG-T.
Other names: c.2209del, p.Gln737fs (NM_001190818.2); c.2194del, p.Gln732fs (NM_001190819.2); short protein forms Q732fs, Q737fs.
Identifiers: ClinVar variation 4056696 (VCV004056696.1).
Genomic context (GRCh38, chr1:52,375,523, plus strand): 5'-TCATCCACAGCTTCCATTGAGTGGGCTATGGTGACCAGGCCAGGGGAGTCAGGCTTCTGC[TG>T]GGAGAACTCACAGATCTCTGTGGCACGCCTGCAGATGTCCAGGCACCGTCGTGCATCTCC-3'